The following is an entry in ClinVar:

ClinVar aggregate classification (germline): Pathogenic. Review status: criteria provided, multiple submitters, no conflicts (2 of 4 stars). 9 submissions from 9 submitters: Pathogenic (9). Last evaluated 2025-06-26.

Conditions:
DYRK1A-related disorder.
Complex neurodevelopmental disorder. Identifiers: Orphanet 528084, MedGen C5568766, MONDO:0100038.
Inborn genetic diseases. Identifiers: MedGen C0950123, MeSH D030342.
Intellectual disability. Also called: Intellectual functioning disability; Intellectual developmental disorder; intellectual disabilities. Identifiers: MedGen C3714756, MeSH D008607, MONDO:0001071, HP:0001249.
DYRK1A-related intellectual disability syndrome (MRD7). Also called: Intellectual developmental disorder, autosomal dominant 7; DYRK1A Syndrome. Identifiers: Orphanet 464306, MedGen C5568143, MONDO:0013578, OMIM 614104.

Submissions (9):

Ambry Genetics
Classification: Pathogenic for Inborn genetic diseases. Last evaluated: 2025-06-26. Review status: criteria provided, single submitter. Criteria: Ambry Variant Classification Scheme 2023. Collection method: clinical testing. Allele origin: germline.
Comment: The c.349C>T (p.R117*) alteration, located in exon 4 (coding exon 4) of the DYRK1A gene, consists of a C to T substitution at nucleotide position 349. This changes the amino acid from a arginine (R) to a stop codon at amino acid position 117. This alteration is expected to result in loss of function by premature protein truncation or nonsense-mediated mRNA decay. This variant was not reported in population-based cohorts in the Genome Aggregation Database (gnomAD). This variant was determined to be de novo in at least one individual with features consistent with DYRK1A-related neurodevelopmental disorder (Morison, 2022; Fenster, 2022; Ambry internal data). Based on the available evidence, this alteration is classified as pathogenic.

Blueprint Genetics
Classification: Pathogenic for DYRK1A-related disorders. Last evaluated: 2024-05-28. Review status: criteria provided, single submitter. Criteria: ACMG Guidelines, 2015. Collection method: clinical testing. Allele origin: germline. Affected: yes. Observed: 1 variant allele.

Labcorp Genetics (formerly Invitae), Labcorp
Classification: Pathogenic for DYRK1A-related intellectual disability syndrome. Last evaluated: 2023-12-01. Review status: criteria provided, single submitter. Criteria: Invitae Variant Classification Sherloc (09022015). Collection method: clinical testing. Allele origin: germline.
Comment: This sequence change creates a premature translational stop signal (p.Arg117*) in the DYRK1A gene. It is expected to result in an absent or disrupted protein product. Loss-of-function variants in DYRK1A are known to be pathogenic (PMID: 25944381). This variant is not present in population databases (gnomAD no frequency). This premature translational stop signal has been observed in individual(s) with clinical features of DYRK1A-related conditions (PMID: 26795593, 28191889, 33004838). ClinVar contains an entry for this variant (Variation ID: 373087). For these reasons, this variant has been classified as Pathogenic.

GeneDx
Classification: Pathogenic. Last evaluated: 2021-12-16. Review status: criteria provided, single submitter. Criteria: GeneDx Variant Classification Process June 2021. Collection method: clinical testing. Allele origin: germline. Affected: yes.
Comment: Reported previously in an individual with seizures and intellectual disability; however additional details were not provided (Helbig et al., 2016); Nonsense variant predicted to result in protein truncation or nonsense mediated decay in a gene for which loss-of-function is a known mechanism of disease; Not observed at significant frequency in large population cohorts (Lek et al., 2016); This variant is associated with the following publications: (PMID: 28191889, 33562844, 33004838, 26795593)

CeGaT Center for Human Genetics Tuebingen
Classification: Pathogenic. Last evaluated: 2019-11-01. Review status: criteria provided, single submitter. Criteria: CeGaT Center For Human Genetics Tuebingen Variant Classification Criteria Version 2. Collection method: clinical testing. Allele origin: germline. Affected: yes. Observed: 1 variant allele.

Cambridge Genomics Laboratory, East Genomic Laboratory Hub, NHS Genomic Medicine Service
Classification: Pathogenic for Intellectual disability. Last evaluated: 2019-04-17. Review status: criteria provided, single submitter. Criteria: ACGS Best Practice Guidelines for Variant Classification in Rare Disease 2020. Collection method: clinical testing. Allele origin: germline. Affected: yes. Observed: 1 variant allele.

Genetic Services Laboratory, University of Chicago
Classification: Pathogenic for Mental retardation, autosomal dominant 7. Last evaluated: 2016-10-20. Review status: criteria provided, single submitter. Criteria: ACMG Guidelines, 2015. Collection method: clinical testing. Allele origin: germline. Affected: yes.

Centre de Biologie Pathologie Génétique, Centre Hospitalier Universitaire de Lille
Classification: Pathogenic for DYRK1A-related intellectual disability syndrome. Review status: criteria provided, single submitter. Criteria: ACMG Guidelines, 2015. Collection method: clinical testing. Allele origin: de novo. Affected: yes.

Laboratory Cellgenetics, GMDL Cellgenetics
Classification: Pathogenic for DYRK1A-related intellectual disability syndrome. Review status: criteria provided, single submitter. Criteria: ACMG Guidelines, 2015. Collection method: clinical testing. Allele origin: unknown. Inheritance: Autosomal dominant inheritance. Affected: yes. Observed: 1 heterozygote.

Literature cited by the submitters: PubMed 35285131 (cited by Ambry Genetics); PubMed 35437318 (cited by Ambry Genetics); PubMed 25944381 (cited by Labcorp Genetics (formerly Invitae), Labcorp); PubMed 26795593 (cited by Labcorp Genetics (formerly Invitae), Labcorp); PubMed 28191889 (cited by Labcorp Genetics (formerly Invitae), Labcorp); PubMed 33004838 (cited by Labcorp Genetics (formerly Invitae), Labcorp).

NM_001347721.2(DYRK1A):c.322C>T (p.Arg108Ter)

Gene: DYRK1A (dual specificity tyrosine phosphorylation regulated kinase 1A; plus strand). Cytogenetic location: 21q22.13.
Variant type: single nucleotide variant.
Coding change: c.322C>T on transcript NM_001347721.2 (MANE Select); coding-DNA position 322, C replaced by T.
Protein change: p.Arg108Ter; replaces arginine 108 with a stop codon.
Molecular consequence: nonsense.
Genome position (GRCh38, 1-based): chr21:37,480,659, C>T. VCF-style: chr21-37480659-C-T. GRCh37 (hg19) VCF-style: chr21-38852961-C-T.
Other names: c.322C>T, p.Arg108Ter (NM_001347722.2, NM_130436.2); c.235C>T, p.Arg79Ter (NM_001347723.2); c.349C>T, p.Arg117Ter (NM_001396.5, NM_101395.2, NM_130438.2); short protein forms R117*, R108*, R79*.
Identifiers: ClinVar variation 373087 (VCV000373087.62), dbSNP rs1057518204, ClinGen allele CA16043144.
Genomic context (GRCh38, chr21:37,480,659, plus strand): 5'-TTTAAATTTTACAGTTAACACTATGTATTCTCATTTCAGGTTTACTATGCAAAAAAGAAG[C>T]GAAGACACCAACAGGGCCAGGGAGACGATTCTAGTCATAAGAAGGAACGGAAGGTTTACA-3'